The following is an entry in ClinVar:

NM_001999.4(FBN2):c.3126A>G (p.Lys1042=)

Genes: FBN2 (fibrillin 2; minus strand), LOC126807501 (BRD4-independent group 4 enhancer GRCh37_chr5:127680731-127681930; plus strand). Cytogenetic location: 5q23.3.
Variant type: single nucleotide variant.
Coding change: c.3126A>G on transcript NM_001999.4 (MANE Select); coding-DNA position 3126, A replaced by G.
Protein change: p.Lys1042=; no amino-acid change (lysine 1042 retained).
Molecular consequence: synonymous variant.
Genome position (GRCh38, 1-based): chr5:128,345,448, T>C on the plus strand (A>G on the coding strand, the complement: FBN2 is on the minus strand). VCF-style: chr5-128345448-T-C. GRCh37 (hg19) VCF-style: chr5-127681140-T-C.
Identifiers: ClinVar variation 2583031 (VCV002583031.25), dbSNP rs2479290620, ClinGen allele CA446311440.

ClinVar aggregate classification (germline): Likely benign (1 of 4 stars; one submission).

Submission:

CeGaT Center for Human Genetics Tuebingen
Classification: Likely benign. Last evaluated: 2023-08-01. Review status: criteria provided, single submitter. Criteria: CeGaT Center For Human Genetics Tuebingen Variant Classification Criteria Version 2. Collection method: clinical testing. Allele origin: germline. Affected: yes. Observed: 2 variant alleles.
Comment: FBN2: PM2:Supporting, BP4, BP7